The following is an entry in ClinVar:

NM_001379291.1(BRD4):c.263A>T (p.Asp88Val)

Gene: BRD4 (bromodomain containing 4; minus strand). Cytogenetic location: 19p13.12.
Variant type: single nucleotide variant.
Coding change: c.263A>T on transcript NM_001379291.1 (MANE Select); coding-DNA position 263, A replaced by T.
Protein change: p.Asp88Val; replaces aspartic acid 88 with valine.
Molecular consequence: missense variant.
Genome position (GRCh38, 1-based): chr19:15,272,837, T>A on the plus strand (A>T on the coding strand, the complement: BRD4 is on the minus strand). VCF-style: chr19-15272837-T-A. GRCh37 (hg19) VCF-style: chr19-15383648-T-A.
Other names: c.263A>T, p.Asp88Val (NM_001330384.2, NM_001379292.1, NM_014299.3 and 1 more transcripts); short protein forms D88V.
Identifiers: ClinVar variation 1312415 (VCV001312415.2), dbSNP rs2145624320, ClinGen allele CA404488689.

ClinVar aggregate classification (germline): Uncertain significance (1 of 4 stars; one submission).

Submission:

GeneDx
Classification: Uncertain significance. Last evaluated: 2019-09-22. Review status: criteria provided, single submitter. Criteria: GeneDx Variant Classification Process June 2021. Collection method: clinical testing. Allele origin: germline. Affected: yes.
Comment: Not observed in large population cohorts (Lek et al., 2016); In silico analysis, which includes protein predictors and evolutionary conservation, supports a deleterious effect; Has not been previously published as pathogenic or benign to our knowledge; Variants in candidate genes are classified as variants of uncertain significance in accordance with ACMG guidelines (Richards et al., 2015)